The following is an entry in ClinVar:

NM_001999.4(FBN2):c.2200G>C (p.Asp734His)

Gene: FBN2 (fibrillin 2; minus strand). Cytogenetic location: 5q23.3.
Variant type: single nucleotide variant.
Coding change: c.2200G>C on transcript NM_001999.4 (MANE Select); coding-DNA position 2200, G replaced by C.
Protein change: p.Asp734His; replaces aspartic acid 734 with histidine.
Molecular consequence: missense variant.
Genome position (GRCh38, 1-based): chr5:128,369,230, C>G on the plus strand (G>C on the coding strand, the complement: FBN2 is on the minus strand). VCF-style: chr5-128369230-C-G. GRCh37 (hg19) VCF-style: chr5-127704923-C-G.
Other names: short protein forms D734H.
Identifiers: ClinVar variation 930920 (VCV000930920.3), dbSNP rs1751863483, ClinGen allele CA360738950.

ClinVar aggregate classification (germline): Uncertain significance (1 of 4 stars; one submission).

Conditions:
Macular degeneration, early-onset (EOMD). Identifiers: MedGen C4015286, MONDO:0014501, OMIM 616118.

Submission:

Centre for Mendelian Genomics, University Medical Centre Ljubljana
Classification: Uncertain significance for Macular degeneration, early-onset. Last evaluated: 2020-01-22. Review status: criteria provided, single submitter. Criteria: ACMG Guidelines, 2015. Collection method: clinical testing. Allele origin: unknown. Affected: yes.
Comment: This variant was classified as: Uncertain significance. The available evidence favors the pathogenic nature of this variant, however the currently available data is insufficient to conclusively support its pathogenic nature. Thus this variant is classified as Uncertain significance - favor pathogenic. The following ACMG criteria were applied in classifying this variant: PM2,PP3,PP4.